The following is an entry in ClinVar:

ClinVar aggregate classification (germline): Uncertain significance (1 of 4 stars; one submission).

Conditions:
Propionic acidemia (PROP). Also called: GLYCINEMIA, KETOTIC; HYPERGLYCINEMIA WITH KETOACIDOSIS AND LEUKOPENIA; KETOTIC HYPERGLYCINEMIA. Identifiers: Orphanet 35, MedGen C0268579, MONDO:0011628, OMIM 606054, HP:0003571.

Submission:

Labcorp Genetics (formerly Invitae), Labcorp
Classification: Uncertain significance for Propionic acidemia. Last evaluated: 2022-02-22. Review status: criteria provided, single submitter. Criteria: Invitae Variant Classification Sherloc (09022015). Collection method: clinical testing. Allele origin: germline.
Comment: In summary, the available evidence is currently insufficient to determine the role of this variant in disease. Therefore, it has been classified as a Variant of Uncertain Significance. Advanced modeling of protein sequence and biophysical properties (such as structural, functional, and spatial information, amino acid conservation, physicochemical variation, residue mobility, and thermodynamic stability) performed at Invitae indicates that this missense variant is not expected to disrupt PCCB protein function. This variant has not been reported in the literature in individuals affected with PCCB-related conditions. This sequence change replaces leucine, which is neutral and non-polar, with phenylalanine, which is neutral and non-polar, at codon 271 of the PCCB protein (p.Leu271Phe). This variant is not present in population databases (gnomAD no frequency).

NM_000532.5(PCCB):c.811C>T (p.Leu271Phe)

Gene: PCCB (propionyl-CoA carboxylase subunit beta; plus strand). Cytogenetic location: 3q22.3.
Variant type: single nucleotide variant.
Coding change: c.811C>T on transcript NM_000532.5 (MANE Select); coding-DNA position 811, C replaced by T.
Protein change: p.Leu271Phe; replaces leucine 271 with phenylalanine.
Molecular consequence: missense variant.
Genome position (GRCh38, 1-based): chr3:136,297,999, C>T. VCF-style: chr3-136297999-C-T. GRCh37 (hg19) VCF-style: chr3-136016841-C-T.
Other names: c.871C>T, p.Leu291Phe (NM_001178014.2); short protein forms L291F, L271F.
Identifiers: ClinVar variation 2101514 (VCV002101514.4), dbSNP rs2529877429, ClinGen allele CA354644609.